The following is an entry in ClinVar:

NM_000143.4(FH):c.482C>T (p.Ala161Val)

Gene: FH (fumarate hydratase; minus strand). Cytogenetic location: 1q43.
Variant type: single nucleotide variant.
Coding change: c.482C>T on transcript NM_000143.4 (MANE Select); coding-DNA position 482, C replaced by T.
Protein change: p.Ala161Val; replaces alanine 161 with valine.
Molecular consequence: missense variant.
Genome position (GRCh38, 1-based): chr1:241,512,040, G>A on the plus strand (C>T on the coding strand, the complement: FH is on the minus strand). VCF-style: chr1-241512040-G-A. GRCh37 (hg19) VCF-style: chr1-241675340-G-A.
Other names: c.482C>T (NM_000143.3); short protein forms A161V.
Identifiers: ClinVar variation 1379338 (VCV001379338.10), dbSNP rs1307815197, ClinGen allele CA345440003.

ClinVar aggregate classification (germline): Uncertain significance. Review status: criteria provided, multiple submitters, no conflicts (2 of 4 stars). 3 submissions from 3 submitters: Uncertain significance (3). Last evaluated 2026-05-11.

Conditions:
Hereditary cancer-predisposing syndrome. Also called: Hereditary Cancer Syndrome; Tumor predisposition; Neoplastic Syndromes, Hereditary; Hereditary neoplastic syndrome. Identifiers: Orphanet 140162, MedGen C0027672, MeSH D009386, MONDO:0015356.
FH-related disorder. Also called: FH-related disorders; FH-related condition.

Allele frequency attached by ClinVar (database versions not stated): gnomAD exomes below 0.00001; TOPMed 0.00001.
gnomAD v4.1: 1 of 1,613,848 alleles (0.000062%); highest among the groups gnomAD compares: Admixed American, 0.0017%; no homozygotes.

Submissions (3):

PreventionGenetics, part of Exact Sciences
Classification: Uncertain significance for FH-related condition. Last evaluated: 2026-05-11. Review status: criteria provided, single submitter. Criteria: ACMG Guidelines, 2015. Collection method: clinical testing. Allele origin: germline.
Comment: The FH c.482C>T variant is predicted to result in the amino acid substitution p.Ala161Val. To our knowledge, this variant has not been reported in the literature. This variant is reported in 0.0029% of alleles in individuals of Latino descent in gnomAD and is classified as a variant of uncertain significance in ClinVar (Variation ID: 1379338). At this time, the clinical significance of this variant is uncertain due to the absence of conclusive functional and genetic evidence.

Ambry Genetics
Classification: Uncertain significance for Hereditary cancer-predisposing syndrome. Last evaluated: 2026-03-25. Review status: criteria provided, single submitter. Criteria: Ambry Variant Classification Scheme 2023. Collection method: clinical testing. Allele origin: germline.
Comment: The p.A161V variant (also known as c.482C>T), located in coding exon 4 of the FH gene, results from a C to T substitution at nucleotide position 482. The alanine at codon 161 is replaced by valine, an amino acid with similar properties. Based on internal structural analysis, this variant is more disruptive than known pathogenic variants (Ajalla Aleixo MA et al. FEBS J, 2019 May;286:1925-1940; Bulku A et al. Open Biochem J, 2018 Jan;12:1-15).This amino acid position is highly conserved in available vertebrate species. In addition, this alteration is predicted to be deleterious by in silico analysis. Based on the available evidence, the clinical significance of this variant remains unclear.

Labcorp Genetics (formerly Invitae), Labcorp
Classification: Uncertain significance. Last evaluated: 2025-02-19. Review status: criteria provided, single submitter. Criteria: Invitae Variant Classification Sherloc (09022015). Collection method: clinical testing. Allele origin: germline.
Comment: This sequence change replaces alanine, which is neutral and non-polar, with valine, which is neutral and non-polar, at codon 161 of the FH protein (p.Ala161Val). This variant is present in population databases (no rsID available, gnomAD 0.003%). This variant has not been reported in the literature in individuals affected with FH-related conditions. ClinVar contains an entry for this variant (Variation ID: 1379338). Invitae Evidence Modeling of protein sequence and biophysical properties (such as structural, functional, and spatial information, amino acid conservation, physicochemical variation, residue mobility, and thermodynamic stability) indicates that this missense variant is expected to disrupt FH protein function with a positive predictive value of 95%. In summary, the available evidence is currently insufficient to determine the role of this variant in disease. Therefore, it has been classified as a Variant of Uncertain Significance.

Literature cited by the submitters: PubMed 29456767 (cited by Ambry Genetics); PubMed 30761759 (cited by Ambry Genetics).